The following is an entry in ClinVar:

ClinVar aggregate classification (germline): Conflicting classifications of pathogenicity. Review status: criteria provided, conflicting classifications (1 of 4 stars). 3 submissions from 3 submitters: Uncertain significance (1); Likely benign (2). Last evaluated 2026-04-22.

Conditions:
Hereditary breast ovarian cancer syndrome. Also called: Hereditary breast and ovarian cancer; Breast and ovarian cancer; Hereditary breast and/or ovarian cancer syndrome; Hereditary breast and ovarian cancer syndrome; Hereditary breast and ovarian cancer syndrome (HBOC); BRCA1- and BRCA2-Associated Hereditary Breast and Ovarian Cancer. Identifiers: Orphanet 145, MedGen C0677776, MeSH D061325, MONDO:0003582. Disease mechanism: loss of function.
Hereditary cancer-predisposing syndrome. Also called: Tumor predisposition; Neoplastic Syndromes, Hereditary; Hereditary Cancer Syndrome; Hereditary neoplastic syndrome. Identifiers: Orphanet 140162, MedGen C0027672, MeSH D009386, MONDO:0015356.

Submissions (3):

Ambry Genetics
Classification: Likely benign for Hereditary cancer-predisposing syndrome. Last evaluated: 2026-04-22. Review status: criteria provided, single submitter. Criteria: Ambry Variant Classification Scheme 2023. Collection method: clinical testing. Allele origin: germline.

University of Washington Department of Laboratory Medicine, University of Washington
Classification: Likely benign for Hereditary cancer-predisposing syndrome. Last evaluated: 2023-03-23. Review status: criteria provided, single submitter. Criteria: Dines et al. (Genet Med. 2020). Collection method: curation. Allele origin: germline.
Comment: Missense variant in a coldspot region where missense variants are very unlikely to be pathogenic (PMID:31911673).

BRCA2 exon 11 coldspot. Reclassification based on statistical prior probability.

Labcorp Genetics (formerly Invitae), Labcorp
Classification: Uncertain significance for Hereditary breast ovarian cancer syndrome. Last evaluated: 2021-02-20. Review status: criteria provided, single submitter. Criteria: Invitae Variant Classification Sherloc (09022015). Collection method: clinical testing. Allele origin: germline.
Comment: This sequence change replaces aspartic acid with valine at codon 1383 of the BRCA2 protein (p.Asp1383Val). The aspartic acid residue is weakly conserved and there is a large physicochemical difference between aspartic acid and valine. This variant is not present in population databases (ExAC no frequency). This variant has not been reported in the literature in individuals with BRCA2-related conditions. Advanced modeling of protein sequence and biophysical properties (such as structural, functional, and spatial information, amino acid conservation, physicochemical variation, residue mobility, and thermodynamic stability) performed at Invitae indicates that this missense variant is not expected to disrupt BRCA2 protein function. In summary, the available evidence is currently insufficient to determine the role of this variant in disease. Therefore, it has been classified as a Variant of Uncertain Significance.

NM_000059.4(BRCA2):c.4148A>T (p.Asp1383Val)

Gene: BRCA2 (BRCA2 DNA repair associated; plus strand). Cytogenetic location: 13q13.1.
Variant type: single nucleotide variant.
Coding change: c.4148A>T on transcript NM_000059.4 (MANE Select); coding-DNA position 4148, A replaced by T.
Protein change: p.Asp1383Val; replaces aspartic acid 1383 with valine.
Molecular consequence: missense variant.
Genome position (GRCh38, 1-based): chr13:32,338,503, A>T. VCF-style: chr13-32338503-A-T. GRCh37 (hg19) VCF-style: chr13-32912640-A-T.
Other names: c.4148A>T (NM_000059.3); short protein forms D1383V.
Identifiers: ClinVar variation 1512311 (VCV001512311.10), dbSNP rs2137503361, ClinGen allele CA387779985.